The following is an entry in ClinVar:

NC_000017.11:g.(?_43090924)_(43099904_?)del

Gene: BRCA1 (BRCA1 DNA repair associated; minus strand). Cytogenetic location: 17q21.31.
Variant type: Deletion.
Identifiers: ClinVar variation 831507 (VCV000831507.3).

ClinVar aggregate classification (germline): Likely pathogenic (1 of 4 stars; one submission).

Conditions:
Hereditary breast ovarian cancer syndrome. Also called: Hereditary breast and/or ovarian cancer syndrome; Hereditary breast and ovarian cancer syndrome (HBOC); Breast and ovarian cancer; Hereditary breast and ovarian cancer; BRCA1- and BRCA2-Associated Hereditary Breast and Ovarian Cancer; Hereditary breast and ovarian cancer syndrome. Identifiers: Orphanet 145, MedGen C0677776, MeSH D061325, MONDO:0003582. Disease mechanism: loss of function.

Submission:

Labcorp Genetics (formerly Invitae), Labcorp
Classification: Likely pathogenic for Hereditary breast ovarian cancer syndrome. Last evaluated: 2019-07-22. Review status: criteria provided, single submitter. Criteria: Invitae Variant Classification Sherloc (09022015). Collection method: clinical testing. Allele origin: germline.
Comment: In summary, the currently available evidence indicates that the variant is pathogenic, but additional data are needed to prove that conclusively. Therefore, this variant has been classified as Likely Pathogenic. This variant deletes almost 67% of the BRCA1 protein and it is expected to disrupt several nuclear localization signals and DNA binding and colied-coil domains, which mediate interactions with RAD51, RAD50 and PALB2 (PMID: 25652403, 22737296). While functional studies have not been performed to directly test the effect of this variant on BRCA1 protein function, this suggests that disruption of this region of the protein is causative of disease. This variant has not been reported in the literature in individuals with BRCA1-related conditions. This variant is an in-frame deletion of the genomic region encompassing exons 7-11 of the BRCA1 gene. It preserves the integrity of the reading frame.

Literature cited by the submitters: PubMed 25652403; PubMed 22737296.